The following is an entry in ClinVar:

ClinVar aggregate classification (germline): Pathogenic. Review status: reviewed by expert panel (3 of 4 stars). 4 submissions from 4 submitters: Pathogenic (1). 3 of the submissions do not count toward it. Last evaluated 2016-09-08.

Conditions:
Hereditary cancer-predisposing syndrome. Also called: Tumor predisposition; Hereditary Cancer Syndrome; Neoplastic Syndromes, Hereditary; Hereditary neoplastic syndrome. Identifiers: Orphanet 140162, MedGen C0027672, MeSH D009386, MONDO:0015356.
Hereditary breast ovarian cancer syndrome. Also called: Hereditary breast and ovarian cancer; Breast and ovarian cancer; Hereditary breast and/or ovarian cancer syndrome; BRCA1- and BRCA2-Associated Hereditary Breast and Ovarian Cancer; Hereditary breast and ovarian cancer syndrome; Hereditary breast and ovarian cancer syndrome (HBOC). Identifiers: Orphanet 145, MedGen C0677776, MeSH D061325, MONDO:0003582. Disease mechanism: loss of function.
Breast-ovarian cancer, familial, susceptibility to, 2 (BROVCA2). Also called: BRCA2 Hereditary Breast and Ovarian Cancer. Identifiers: Orphanet 145, MedGen C2675520, MONDO:0012933, OMIM 612555. Disease mechanism: loss of function.

Submissions (4):

Evidence-based Network for the Interpretation of Germline Mutant Alleles (ENIGMA)
Classification: Pathogenic for Breast-ovarian cancer, familial, susceptibility to, 2. Last evaluated: 2016-09-08. Review status: reviewed by expert panel. Criteria: ENIGMA BRCA1/2 Classification Criteria (2015). Collection method: curation. Allele origin: germline.
Comment: Variant allele predicted to encode a truncated non-functional protein.

Ambry Genetics
Classification: Pathogenic for Hereditary cancer-predisposing syndrome. Last evaluated: 2025-12-01. Review status: criteria provided, single submitter. Criteria: Ambry Variant Classification Scheme 2023. Collection method: clinical testing. Allele origin: germline. Not counted in ClinVar's aggregate classification.
Comment: The c.1164_1168delACCGT pathogenic mutation, located in coding exon 9 of the BRCA2 gene, results from a deletion of 5 nucleotides at nucleotide positions 1164 to 1168, causing a translational frameshift with a predicted alternate stop codon (p.P389Ffs*4). This variant is considered to be rare based on population cohorts in the Genome Aggregation Database (gnomAD). This alteration is expected to result in loss of function by premature protein truncation or nonsense-mediated mRNA decay. As such, this alteration is interpreted as a disease-causing mutation.

Labcorp Genetics (formerly Invitae), Labcorp
Classification: Pathogenic for Hereditary breast ovarian cancer syndrome. Last evaluated: 2023-07-29. Review status: criteria provided, single submitter. Criteria: Invitae Variant Classification Sherloc (09022015). Collection method: clinical testing. Allele origin: germline. Not counted in ClinVar's aggregate classification.
Comment: For these reasons, this variant has been classified as Pathogenic. ClinVar contains an entry for this variant (Variation ID: 254487). This variant has not been reported in the literature in individuals affected with BRCA2-related conditions. This variant is not present in population databases (gnomAD no frequency). This sequence change creates a premature translational stop signal (p.Pro389Phefs*4) in the BRCA2 gene. It is expected to result in an absent or disrupted protein product. Loss-of-function variants in BRCA2 are known to be pathogenic (PMID: 20104584).

Quest Diagnostics Nichols Institute San Juan Capistrano
Classification: Pathogenic. Last evaluated: 2017-06-06. Review status: criteria provided, single submitter. Criteria: Quest Diagnostics criteria. Collection method: clinical testing. Allele origin: germline. Not counted in ClinVar's aggregate classification.

Literature cited by the submitters: PubMed 20104584 (cited by Labcorp Genetics (formerly Invitae), Labcorp).

NM_000059.4(BRCA2):c.1164_1168del (p.Pro389fs)

Gene: BRCA2 (BRCA2 DNA repair associated; plus strand). Cytogenetic location: 13q13.1.
Variant type: Deletion.
Coding change: c.1164_1168del on transcript NM_000059.4 (MANE Select); coding-DNA positions 1164 to 1168, 5 bases deleted (ACCGT; older notation c.1164_1168delACCGT).
Protein change: p.Pro389fs; shifts the reading frame from proline 389.
Molecular consequence: frameshift variant.
Genome position (GRCh38, 1-based): chr13:32,332,642-32,332,646, ACCGT deleted; deleting any 5 consecutive bases within chr13:32,332,640-32,332,646 gives the same sequence; the c. name uses the placement nearest the transcript's 3' end. VCF-style (leftmost placement, unchanged base first): chr13-32332639-TGTACC-T. GRCh37 (hg19) VCF-style: chr13-32906776-TGTACC-T.
Other names: c.1164_1168delACCGT (NM_000059.3).
Identifiers: ClinVar variation 254487 (VCV000254487.11), dbSNP rs886038061, ClinGen allele CA10586490.